The following is an entry in ClinVar:

NM_015158.5(KANK1):c.3298A>G (p.Ile1100Val)

Gene: KANK1 (KN motif and ankyrin repeat domains 1; plus strand). Cytogenetic location: 9p24.3.
Variant type: single nucleotide variant.
Coding change: c.3298A>G on transcript NM_015158.5 (MANE Select); coding-DNA position 3298, A replaced by G.
Protein change: p.Ile1100Val; replaces isoleucine 1100 with valine.
Molecular consequence: missense variant. On other transcripts: non-coding transcript variant (1).
Genome position (GRCh38, 1-based): chr9:734,800, A>G. VCF-style: chr9-734800-A-G. GRCh37 (hg19) VCF-style: chr9-734800-A-G.
Other names: c.3298A>G, p.Ile1100Val (NM_001256876.3, NM_001256877.3, NM_001354334.2); c.3058A>G, p.Ile1020Val (NM_001354331.2); c.3244A>G, p.Ile1082Val (NM_001354332.2); c.2824A>G, p.Ile942Val (NM_001354333.2, NM_001354335.2, NM_001354337.2 and 2 more transcripts); c.2530A>G, p.Ile844Val (NM_001354336.2); c.2770A>G, p.Ile924Val (NM_001354338.2, NM_001354340.2, NM_001354344.2); c.2584A>G, p.Ile862Val (NM_001354339.2, NM_001354342.2, NM_001354343.2); short protein forms I1100V, I1020V, I844V, I1082V, I862V, I924V, I942V.
Identifiers: ClinVar variation 2266384 (VCV002266384.5), dbSNP rs146128573, ClinGen allele CA187791260.

ClinVar aggregate classification (germline): Uncertain significance. Review status: criteria provided, multiple submitters, no conflicts (2 of 4 stars). 2 submissions from 2 submitters: Uncertain significance (2). Last evaluated 2024-09-27.

Allele frequency attached by ClinVar (database versions not stated): TOPMed 0.00007; ESP Exome Variant Server 0.00008; gnomAD 0.00009.
gnomAD v4.1: 22 of 1,613,754 alleles (0.0014%); highest among the groups gnomAD compares: African/African-American, 0.02%; no homozygotes.

Submissions (2):

Labcorp Genetics (formerly Invitae), Labcorp
Classification: Uncertain significance. Last evaluated: 2024-09-27. Review status: criteria provided, single submitter. Criteria: Invitae Variant Classification Sherloc (09022015). Collection method: clinical testing. Allele origin: germline.
Comment: This sequence change replaces isoleucine, which is neutral and non-polar, with valine, which is neutral and non-polar, at codon 1100 of the KANK1 protein (p.Ile1100Val). This variant is present in population databases (rs146128573, gnomAD 0.02%). This variant has not been reported in the literature in individuals affected with KANK1-related conditions. ClinVar contains an entry for this variant (Variation ID: 2266384). Invitae Evidence Modeling of protein sequence and biophysical properties (such as structural, functional, and spatial information, amino acid conservation, physicochemical variation, residue mobility, and thermodynamic stability) indicates that this missense variant is not expected to disrupt KANK1 protein function with a negative predictive value of 80%. In summary, the available evidence is currently insufficient to determine the role of this variant in disease. Therefore, it has been classified as a Variant of Uncertain Significance.

Ambry Genetics
Classification: Uncertain significance. Last evaluated: 2021-12-13. Review status: criteria provided, single submitter. Criteria: Ambry Variant Classification Scheme 2023. Collection method: clinical testing. Allele origin: germline.